The following is an entry in ClinVar:

NM_000038.6(APC):c.1877C>T (p.Thr626Ile)

Gene: APC (APC regulator of Wnt signaling pathway; plus strand). Cytogenetic location: 5q22.2.
Variant type: single nucleotide variant.
Coding change: c.1877C>T on transcript NM_000038.6 (MANE Select); coding-DNA position 1877, C replaced by T.
Protein change: p.Thr626Ile; replaces threonine 626 with isoleucine.
Molecular consequence: missense variant.
Genome position (GRCh38, 1-based): chr5:112,835,084, C>T. VCF-style: chr5-112835084-C-T. GRCh37 (hg19) VCF-style: chr5-112170781-C-T.
Other names: c.1877C>T, p.Thr626Ile (NM_001127510.3, NM_001354895.2, NM_001407450.1); c.1823C>T, p.Thr608Ile (NM_001127511.3); c.1931C>T, p.Thr644Ile (NM_001354896.2, NM_001407447.1, NM_001407448.1 and 1 more transcripts); c.1907C>T, p.Thr636Ile (NM_001354897.2); c.1802C>T, p.Thr601Ile (NM_001354898.2); c.1793C>T, p.Thr598Ile (NM_001354899.2); c.1754C>T, p.Thr585Ile (NM_001354900.2); c.1700C>T, p.Thr567Ile (NM_001354901.2, NM_001407453.1); and 11 more; short protein forms T543I, T636I, T242I, T525I, T585I, T601I, T616I, T619I.
Identifiers: ClinVar variation 1781799 (VCV001781799.7), dbSNP rs2149843188, ClinGen allele CA16025426.

ClinVar aggregate classification (germline): Uncertain significance. Review status: criteria provided, multiple submitters, no conflicts (2 of 4 stars). 2 submissions from 2 submitters: Uncertain significance (2). Last evaluated 2022-07-08.

Conditions:
Hereditary cancer-predisposing syndrome. Also called: Neoplastic Syndromes, Hereditary; Tumor predisposition; Hereditary Cancer Syndrome; Hereditary neoplastic syndrome. Identifiers: Orphanet 140162, MedGen C0027672, MeSH D009386, MONDO:0015356.
Familial adenomatous polyposis 1 (FAP1). Also called: FAMILIAL ADENOMATOUS POLYPOSIS 1, ATTENUATED; POLYPOSIS, ADENOMATOUS INTESTINAL. Identifiers: MedGen C2713442, MONDO:0021056, OMIM 175100. Disease mechanism: loss of function.

Submissions (2):

Labcorp Genetics (formerly Invitae), Labcorp
Classification: Uncertain significance for Familial adenomatous polyposis 1. Last evaluated: 2022-07-08. Review status: criteria provided, single submitter. Criteria: Invitae Variant Classification Sherloc (09022015). Collection method: clinical testing. Allele origin: germline.
Comment: This sequence change replaces threonine, which is neutral and polar, with isoleucine, which is neutral and non-polar, at codon 626 of the APC protein (p.Thr626Ile). This variant is not present in population databases (gnomAD no frequency). This variant has not been reported in the literature in individuals affected with APC-related conditions. Algorithms developed to predict the effect of missense changes on protein structure and function are either unavailable or do not agree on the potential impact of this missense change (SIFT: "Deleterious"; PolyPhen-2: "Possibly Damaging"; Align-GVGD: "Class C0"). In summary, the available evidence is currently insufficient to determine the role of this variant in disease. Therefore, it has been classified as a Variant of Uncertain Significance.

Ambry Genetics
Classification: Uncertain significance for Hereditary cancer-predisposing syndrome. Last evaluated: 2020-09-22. Review status: criteria provided, single submitter. Criteria: Ambry Variant Classification Scheme 2023. Collection method: clinical testing. Allele origin: germline.
Comment: The p.T626I variant (also known as c.1877C>T), located in coding exon 14 of the APC gene, results from a C to T substitution at nucleotide position 1877. The threonine at codon 626 is replaced by isoleucine, an amino acid with similar properties. This amino acid position is highly conserved in available vertebrate species. In addition, in silico predictors for this gene do not accurately predict pathogenicity. Since supporting evidence is limited at this time, the clinical significance of this alteration remains unclear.